The following is an entry in ClinVar:

NM_001466.4(FZD2):c.369C>T (p.Ala123=)

Gene: FZD2 (frizzled class receptor 2; plus strand). Cytogenetic location: 17q21.31.
Variant type: single nucleotide variant.
Coding change: c.369C>T on transcript NM_001466.4 (MANE Select); coding-DNA position 369, C replaced by T.
Protein change: p.Ala123=; no amino-acid change (alanine 123 retained).
Molecular consequence: synonymous variant.
Genome position (GRCh38, 1-based): chr17:44,558,057, C>T. VCF-style: chr17-44558057-C-T. GRCh37 (hg19) VCF-style: chr17-42635425-C-T.
Identifiers: ClinVar variation 3043146 (VCV003043146.2), dbSNP rs1970847214, ClinGen allele CA500627284.

ClinVar aggregate classification (germline): Likely benign (0 of 4 stars; one submission).

Conditions:
FZD2-related disorder. Also called: FZD2-related condition.

Submission:

PreventionGenetics, part of Exact Sciences
Classification: Likely benign for FZD2-related condition. Last evaluated: 2020-01-02. Review status: no assertion criteria provided. Collection method: clinical testing. Allele origin: germline.
Comment: This variant is classified as likely benign based on ACMG/AMP sequence variant interpretation guidelines (Richards et al. 2015 PMID: 25741868, with internal and published modifications).